The following is an entry in ClinVar:

NM_002336.3(LRP6):c.4389C>T (p.Ala1463=)

Gene: LRP6 (LDL receptor related protein 6; minus strand). Cytogenetic location: 12p13.2.
Variant type: single nucleotide variant.
Coding change: c.4389C>T on transcript NM_002336.3 (MANE Select); coding-DNA position 4389, C replaced by T.
Protein change: p.Ala1463=; no amino-acid change (alanine 1463 retained).
Molecular consequence: synonymous variant. On other transcripts: non-coding transcript variant (1).
Genome position (GRCh38, 1-based): chr12:12,125,356, G>A on the plus strand (C>T on the coding strand, the complement: LRP6 is on the minus strand). VCF-style: chr12-12125356-G-A. GRCh37 (hg19) VCF-style: chr12-12278290-G-A.
Other names: c.4389C>T (NM_002336.2); c.4482C>T, p.Ala1494= (NM_001414244.1); c.4389C>T, p.Ala1463= (NM_001414245.1, NM_001414248.1, NM_001414249.1 and 1 more transcripts); c.4254C>T, p.Ala1418= (NM_001414246.1); c.4191C>T, p.Ala1397= (NM_001414247.1); c.4026C>T, p.Ala1342= (NM_001414251.1); c.3936C>T, p.Ala1312= (NM_001414252.1, NM_001414253.1, NM_001414254.1); c.3882C>T, p.Ala1294= (NM_001414255.1).
Identifiers: ClinVar variation 2182293 (VCV002182293.6), dbSNP rs145926249, ClinGen allele CA6454965.

ClinVar aggregate classification (germline): Likely benign. Review status: criteria provided, single submitter (1 of 4 stars). 2 submissions from 2 submitters: Likely benign (1). 1 of the submissions does not count toward it. Last evaluated 2022-05-20.

Conditions:
LRP6-related disorder. Also called: LRP6-related condition.

Allele frequency attached by ClinVar (database versions not stated): TOPMed 0.00001; gnomAD 0.00002; ExAC 0.00003; 1000 Genomes Project 30x 0.00078; 1000 Genomes Project 0.00100.
gnomAD v4.1: 25 of 1,613,968 alleles (0.0015%); highest among the groups gnomAD compares: Middle Eastern, 0.033%; no homozygotes.

Submissions (2):

Labcorp Genetics (formerly Invitae), Labcorp
Classification: Likely benign. Last evaluated: 2022-05-20. Review status: criteria provided, single submitter. Criteria: Invitae Variant Classification Sherloc (09022015). Collection method: clinical testing. Allele origin: germline.

PreventionGenetics, part of Exact Sciences
Classification: Likely benign for LRP6-related condition. Last evaluated: 2019-03-18. Review status: no assertion criteria provided. Collection method: clinical testing. Allele origin: germline. Not counted in ClinVar's aggregate classification.
Comment: This variant is classified as likely benign based on ACMG/AMP sequence variant interpretation guidelines (Richards et al. 2015 PMID: 25741868, with internal and published modifications).